The following is an entry in ClinVar:

NM_000053.4(ATP7B):c.2826C>A (p.Ile942=)

Gene: ATP7B (ATPase copper transporting beta; minus strand). Cytogenetic location: 13q14.3.
Variant type: single nucleotide variant.
Coding change: c.2826C>A on transcript NM_000053.4 (MANE Select); coding-DNA position 2826, C replaced by A.
Protein change: p.Ile942=; no amino-acid change (isoleucine 942 retained).
Molecular consequence: synonymous variant. On other transcripts: intron variant (1).
Genome position (GRCh38, 1-based): chr13:51,949,701, G>T on the plus strand (C>A on the coding strand, the complement: ATP7B is on the minus strand). VCF-style: chr13-51949701-G-T. GRCh37 (hg19) VCF-style: chr13-52523837-G-T.
Other names: c.2493C>A, p.Ile831= (NM_001243182.2); c.2592C>A, p.Ile864= (NM_001330578.2); c.2574C>A, p.Ile858= (NM_001330579.2); c.2244+306C>A (NM_001005918.3).
Identifiers: ClinVar variation 1172903 (VCV001172903.1), dbSNP rs758712064, ClinGen allele CA6988902.

ClinVar aggregate classification (germline): Uncertain significance (1 of 4 stars; one submission).

Allele frequency attached by ClinVar (database versions not stated): TOPMed below 0.00001.
gnomAD v4.1: 3 of 1,613,844 alleles (0.00019%); highest among the groups gnomAD compares: Non-Finnish European, 0.00025%; no homozygotes.

Submission:

Women's Health and Genetics/Laboratory Corporation of America, LabCorp
Classification: Uncertain significance. Last evaluated: 2021-06-07. Review status: criteria provided, single submitter. Criteria: LabCorp Variant Classification Summary - May 2015. Collection method: clinical testing. Allele origin: germline.
Comment: Variant summary: ATP7B c.2826C>A alters a conserved nucleotide resulting in a synonymous change. 4/4 computational tools predict no significant impact on normal splicing. However, at least one publication reports experimental evidence that this variant moderately increases the percentage of the transcript with exon skipping (Zhou_2020). The variant was absent in 249306 control chromosomes. c.2826C>A has been reported in the literature in one individual affected with Wilson Disease (Cox_2005). However, there is no clear evidence supporting association of the variant with the disease. No clinical diagnostic laboratories have submitted clinical-significance assessments for this variant to ClinVar after 2014. Based on the evidence outlined above, the variant was classified as VUS.

Literature cited by the submitters: PubMed 16088907; PubMed 33719328.